The following is an entry in ClinVar:

ClinVar aggregate classification (germline): Uncertain significance. Review status: criteria provided, multiple submitters, no conflicts (2 of 4 stars). 4 submissions from 4 submitters: Uncertain significance (4). Last evaluated 2026-01-25.

Conditions:
Hereditary cancer-predisposing syndrome. Also called: Neoplastic Syndromes, Hereditary; Hereditary Cancer Syndrome; Hereditary neoplastic syndrome; Tumor predisposition. Identifiers: Orphanet 140162, MedGen C0027672, MeSH D009386, MONDO:0015356.
Familial cancer of breast. Also called: BREAST CANCER, FAMILIAL; Hereditary breast cancer; hereditary breast carcinoma. Identifiers: Orphanet 227535, MedGen C0346153, MONDO:0016419, OMIM 114480. Disease mechanism: loss of function.
CHEK2-related cancer predisposition (TPDS4). Also called: TUMOR PREDISPOSITION SYNDROME 4; CANCER PREDISPOSITION SYNDROME, CHEK2-RELATED; CHEK2-related cancer susceptibility. Identifiers: Orphanet 524, MedGen C5882668, MONDO:0700271, OMIM 609265.
Prostate cancer. Also called: Malignant tumor of prostate. Identifiers: Orphanet 1331, MedGen C0376358, MONDO:0008315, HP:0012125.
Colorectal cancer. Also called: Colorectal cancer, somatic; Malignant Colorectal Neoplasm. Identifiers: MedGen C0346629, MONDO:0005575, OMIM 114500.
Bone osteosarcoma. Also called: Osteosarcoma, somatic. Identifiers: Orphanet 668, MedGen C0585442, MONDO:0002629, OMIM 259500.

Allele frequency attached by ClinVar (database versions not stated): gnomAD exomes below 0.00001.
gnomAD v4.1: 1 of 1,608,334 alleles (0.000062%); highest among the groups gnomAD compares: Non-Finnish European, 0.000085%; no homozygotes.

Submissions (4):

Labcorp Genetics (formerly Invitae), Labcorp
Classification: Uncertain significance for Familial cancer of breast. Last evaluated: 2026-01-25. Review status: criteria provided, single submitter. Criteria: Invitae Variant Classification Sherloc (09022015). Collection method: clinical testing. Allele origin: germline.
Comment: This sequence change replaces glycine, which is neutral and non-polar, with aspartic acid, which is acidic and polar, at codon 229 of the CHEK2 protein (p.Gly229Asp). The frequency data for this variant in the population databases is considered unreliable, as metrics indicate poor data quality at this position in the gnomAD database. This variant has not been reported in the literature in individuals affected with CHEK2-related conditions. ClinVar contains an entry for this variant (Variation ID: 410009). An algorithm developed to predict the effect of missense changes on protein structure and function (PolyPhen-2) suggests that this variant is likely to be disruptive. Experimental studies have shown that this missense change affects CHEK2 function (PMID: 37449874). In summary, the available evidence is currently insufficient to determine the role of this variant in disease. Therefore, it has been classified as a Variant of Uncertain Significance.

Ambry Genetics
Classification: Uncertain significance for Hereditary cancer-predisposing syndrome. Last evaluated: 2024-01-09. Review status: criteria provided, single submitter. Criteria: Ambry Variant Classification Scheme 2023. Collection method: clinical testing. Allele origin: germline.
Comment: The p.G229D variant (also known as c.686G>A), located in coding exon 5 of the CHEK2 gene, results from a G to A substitution at nucleotide position 686. The glycine at codon 229 is replaced by aspartic acid, an amino acid with similar properties. This variant was identified in a cohort of 3,579 African males diagnosed with prostate cancer who underwent multi-gene panel testing of 19 DNA repair and cancer predisposition genes (Matejcic M et al. JCO Precis Oncol, 2020 Jan;4:32-43). This alteration was reported as functionally impaired in a study assessing CHEK2-complementation through quantification of KAP1 phosphorylation and CHK2 autophosphorylation in human RPE1-CHEK2-knockout cells (Stolarova L et al. Clin Cancer Res, 2023 Aug;29:3037-3050). This amino acid position is highly conserved in available vertebrate species. In addition, this alteration is predicted to be deleterious by in silico analysis. Since supporting evidence is limited at this time, the clinical significance of this alteration remains unclear.

Color Diagnostics, LLC DBA Color Health
Classification: Uncertain significance for Hereditary cancer-predisposing syndrome. Last evaluated: 2023-12-13. Review status: criteria provided, single submitter. Criteria: ACMG Guidelines, 2015. Collection method: clinical testing. Allele origin: germline.
Comment: This missense variant replaces glycine with aspartic acid at codon 229 of the CHEK2 protein. Computational prediction suggests that this variant may have deleterious impact on protein structure and function (internally defined REVEL score threshold >= 0.7, PMID: 27666373). A functional study has reported that this variant impacts CHEK2 function in autophosphorylation and phosphorylation of KAP1 (PMID: 37449874). This variant has been reported in two large breast cancer case-control meta-analyses; reported in 1/73048 cases and 1/88658 unaffected controls and 1/60466 cases and 0/53461 unaffected controls (PMID: 33471991, 37449874). This variant has not been identified in the general population by the Genome Aggregation Database (gnomAD). The available evidence is insufficient to determine the role of this variant in disease conclusively. Therefore, this variant is classified as a Variant of Uncertain Significance.

Fulgent Genetics
Classification: Uncertain significance for Familial cancer of breast; Colorectal cancer; Familial prostate cancer; Bone osteosarcoma; CHEK2-related cancer predisposition. Last evaluated: 2022-04-07. Review status: criteria provided, single submitter. Criteria: ACMG Guidelines, 2015. Collection method: clinical testing. Allele origin: unknown.

Literature cited by the submitters: PubMed 37449874 (cited by 3 submitters); PubMed 32832836 (cited by Ambry Genetics); PubMed 33471991 (cited by Color Diagnostics, LLC DBA Color Health).

NM_007194.4(CHEK2):c.686G>A (p.Gly229Asp)

Gene: CHEK2 (checkpoint kinase 2; minus strand). Cytogenetic location: 22q12.1.
Variant type: single nucleotide variant.
Coding change: c.686G>A on transcript NM_007194.4 (MANE Select); coding-DNA position 686, G replaced by A.
Protein change: p.Gly229Asp; replaces glycine 229 with aspartic acid.
Molecular consequence: missense variant.
Genome position (GRCh38, 1-based): chr22:28,712,015, C>T on the plus strand (G>A on the coding strand, the complement: CHEK2 is on the minus strand). VCF-style: chr22-28712015-C-T. GRCh37 (hg19) VCF-style: chr22-29108003-C-T.
Other names: c.485G>A, p.Gly162Asp (NM_001349956.3); c.686G>A, p.Gly229Asp (NM_145862.3); c.815G>A, p.Gly272Asp (NM_001005735.3); c.23G>A, p.Gly8Asp (NM_001257387.3); short protein forms G229D, G8D, G272D, G162D.
Identifiers: ClinVar variation 410009 (VCV000410009.15), dbSNP rs778212685, ClinGen allele CA10167901.